The following is an entry in ClinVar:

NM_000193.4(SHH):c.1376T>C (p.Val459Ala)

Gene: SHH (sonic hedgehog signaling molecule; minus strand). Cytogenetic location: 7q36.3.
Variant type: single nucleotide variant.
Coding change: c.1376T>C on transcript NM_000193.4 (MANE Select); coding-DNA position 1376, T replaced by C.
Protein change: p.Val459Ala; replaces valine 459 with alanine.
Molecular consequence: missense variant. On other transcripts: intron variant (1).
Genome position (GRCh38, 1-based): chr7:155,802,913, A>G on the plus strand (T>C on the coding strand, the complement: SHH is on the minus strand). VCF-style: chr7-155802913-A-G. GRCh37 (hg19) VCF-style: chr7-155595607-A-G.
Other names: c.302-2668T>C (NM_001310462.2); short protein forms V459A.
Identifiers: ClinVar variation 4720179 (VCV004720179.1).

ClinVar aggregate classification (germline): Uncertain significance (1 of 4 stars; one submission).

Conditions:
Holoprosencephaly 3 (HPE3). Identifiers: Orphanet 2162, MedGen C1840529, MONDO:0007733, OMIM 142945.

gnomAD v4.1: 2 of 1,272,904 alleles (0.00016%); highest among the groups gnomAD compares: Non-Finnish European, 0.0001%; no homozygotes.

Submission:

Labcorp Genetics (formerly Invitae), Labcorp
Classification: Uncertain significance for Holoprosencephaly 3. Last evaluated: 2025-05-25. Review status: criteria provided, single submitter. Criteria: Invitae Variant Classification Sherloc (09022015). Collection method: clinical testing. Allele origin: germline.
Comment: This sequence change replaces valine, which is neutral and non-polar, with alanine, which is neutral and non-polar, at codon 459 of the SHH protein (p.Val459Ala). This variant is not present in population databases (gnomAD no frequency). This variant has not been reported in the literature in individuals affected with SHH-related conditions. An algorithm developed to predict the effect of missense changes on protein structure and function (PolyPhen-2) suggests that this variant is likely to be tolerated. In summary, the available evidence is currently insufficient to determine the role of this variant in disease. Therefore, it has been classified as a Variant of Uncertain Significance.